The following is an entry in ClinVar:

NM_152564.5(VPS13B):c.5511A>G (p.Gln1837=)

Gene: VPS13B (vacuolar protein sorting 13 homolog B; plus strand). Cytogenetic location: 8q22.2.
Variant type: single nucleotide variant.
Coding change: c.5511A>G on transcript NM_152564.5 (MANE Select); coding-DNA position 5511, A replaced by G.
Protein change: p.Gln1837=; no amino-acid change (glutamine 1837 retained).
Molecular consequence: synonymous variant.
Genome position (GRCh38, 1-based): chr8:99,642,101, A>G. VCF-style: chr8-99642101-A-G. GRCh37 (hg19) VCF-style: chr8-100654329-A-G.
Other names: c.5586A>G, p.Gln1862= (NM_017890.5); c.5511A>G (NM_152564.4).
Identifiers: ClinVar variation 1145702 (VCV001145702.14), dbSNP rs767953687, ClinGen allele CA4823835.

ClinVar aggregate classification (germline): Likely benign. Review status: criteria provided, multiple submitters, no conflicts (2 of 4 stars). 4 submissions from 4 submitters: Likely benign (2). 2 of the submissions do not count toward it. Last evaluated 2025-10-19.

Conditions:
Cohen syndrome (COH1). Also called: PEPPER SYNDROME; Cutis verticis gyrata, retinitis pigmentosa, and sensorineural deafness. Identifiers: Orphanet 193, MedGen C0265223, MONDO:0008999, OMIM 216550.
VPS13B-related disorder. Also called: VPS13B-related condition.

Allele frequency attached by ClinVar (database versions not stated): gnomAD 0.00001; TOPMed 0.00001; gnomAD exomes 0.00003 and 0.00006; ExAC 0.00007.
gnomAD v4.1: 18 of 1,614,052 alleles (0.0011%); highest among the groups gnomAD compares: Admixed American, 0.03%; no homozygotes.

Submissions (4):

Labcorp Genetics (formerly Invitae), Labcorp
Classification: Likely benign for Cohen syndrome. Last evaluated: 2025-10-19. Review status: criteria provided, single submitter. Criteria: Invitae Variant Classification Sherloc (09022015). Collection method: clinical testing. Allele origin: germline.

Blueprint Genetics
Classification: Likely benign. Last evaluated: 2022-09-05. Review status: criteria provided, single submitter. Criteria: ACMG Guidelines, 2015. Collection method: clinical testing. Allele origin: germline.

PreventionGenetics, part of Exact Sciences
Classification: Likely benign for VPS13B-related condition. Last evaluated: 2022-06-08. Review status: no assertion criteria provided. Collection method: clinical testing. Allele origin: germline. Not counted in ClinVar's aggregate classification.
Comment: This variant is classified as likely benign based on ACMG/AMP sequence variant interpretation guidelines (Richards et al. 2015 PMID: 25741868, with internal and published modifications).

Natera, Inc.
Classification: Likely benign for Cohen syndrome. Last evaluated: 2020-09-30. Review status: no assertion criteria provided. Collection method: clinical testing. Allele origin: germline. Not counted in ClinVar's aggregate classification.